The following is an entry in ClinVar:

NM_001429.4(EP300):c.6696A>G (p.Gln2232=)

Gene: EP300 (EP300 lysine acetyltransferase; plus strand). Cytogenetic location: 22q13.2.
Variant type: single nucleotide variant.
Coding change: c.6696A>G on transcript NM_001429.4 (MANE Select); coding-DNA position 6696, A replaced by G.
Protein change: p.Gln2232=; no amino-acid change (glutamine 2232 retained).
Molecular consequence: synonymous variant.
Genome position (GRCh38, 1-based): chr22:41,178,407, A>G. VCF-style: chr22-41178407-A-G. GRCh37 (hg19) VCF-style: chr22-41574411-A-G.
Other names: c.6696A>G (NM_001429.3); c.6618A>G, p.Gln2206= (NM_001362843.2).
Identifiers: ClinVar variation 2804787 (VCV002804787.6), dbSNP rs140852765, ClinGen allele CA10253933.

ClinVar aggregate classification (germline): Benign/Likely benign. Review status: criteria provided, multiple submitters, no conflicts (2 of 4 stars). 3 submissions from 3 submitters: Benign (1); Likely benign (1). 1 of the submissions does not count toward it. Last evaluated 2025-07-06.

Conditions:
Rubinstein-Taybi syndrome due to EP300 haploinsufficiency. Also called: EP300-Related Rubinstein-Taybi Syndrome; RUBINSTEIN-TAYBI SYNDROME 2. Identifiers: Orphanet 353284, Orphanet 783, MedGen C3150941, MONDO:0013364, OMIM 613684.
EP300-related disorder. Also called: EP300-related disorders; EP300-related condition.

Allele frequency attached by ClinVar (database versions not stated): ExAC 0.00002; gnomAD exomes 0.00006; ESP Exome Variant Server 0.00015; gnomAD 0.00015; TOPMed 0.00015.
gnomAD v4.1: 104 of 1,614,034 alleles (0.0064%); highest among the groups gnomAD compares: Admixed American, 0.042%; no homozygotes.

Submissions (3):

Labcorp Genetics (formerly Invitae), Labcorp
Classification: Benign for Rubinstein-Taybi syndrome due to EP300 haploinsufficiency. Last evaluated: 2025-07-06. Review status: criteria provided, single submitter. Criteria: Invitae Variant Classification Sherloc (09022015). Collection method: clinical testing. Allele origin: germline.

Blueprint Genetics
Classification: Likely benign. Last evaluated: 2023-03-20. Review status: criteria provided, single submitter. Criteria: ACMG Guidelines, 2015. Collection method: clinical testing. Allele origin: germline.

PreventionGenetics, part of Exact Sciences
Classification: Likely benign for EP300-related condition. Last evaluated: 2019-08-12. Review status: no assertion criteria provided. Collection method: clinical testing. Allele origin: germline. Not counted in ClinVar's aggregate classification.
Comment: This variant is classified as likely benign based on ACMG/AMP sequence variant interpretation guidelines (Richards et al. 2015 PMID: 25741868, with internal and published modifications).